The following is an entry in ClinVar:

NM_000163.5(GHR):c.1168T>A (p.Cys390Ser)

Gene: GHR (growth hormone receptor; plus strand). Cytogenetic location: 5p12.
Variant type: single nucleotide variant.
Coding change: c.1168T>A on transcript NM_000163.5 (MANE Select); coding-DNA position 1168, T replaced by A.
Protein change: p.Cys390Ser; replaces cysteine 390 with serine.
Molecular consequence: missense variant. On other transcripts: 3 prime UTR variant (1).
Genome position (GRCh38, 1-based): chr5:42,718,675, T>A. VCF-style: chr5-42718675-T-A. GRCh37 (hg19) VCF-style: chr5-42718777-T-A.
Other names: c.1168T>A, p.Cys390Ser (NM_001242401.4, NM_001242402.2, NM_001242403.3 and 4 more transcripts); c.1102T>A, p.Cys368Ser (NM_001242460.2); c.*210T>A (NM_001242462.1); c.1189T>A, p.Cys397Ser (NM_001242399.2); short protein forms C368S, C390S, C397S.
Identifiers: ClinVar variation 1722049 (VCV001722049.6), dbSNP rs1758850477, ClinGen allele CA359629626.

ClinVar aggregate classification (germline): Uncertain significance (1 of 4 stars; one submission).

Submission:

Labcorp Genetics (formerly Invitae), Labcorp
Classification: Uncertain significance. Last evaluated: 2022-10-22. Review status: criteria provided, single submitter. Criteria: Invitae Variant Classification Sherloc (09022015). Collection method: clinical testing. Allele origin: germline.
Comment: In summary, the available evidence is currently insufficient to determine the role of this variant in disease. Therefore, it has been classified as a Variant of Uncertain Significance. Advanced modeling of protein sequence and biophysical properties (such as structural, functional, and spatial information, amino acid conservation, physicochemical variation, residue mobility, and thermodynamic stability) performed at Invitae indicates that this missense variant is not expected to disrupt GHR protein function. This variant has not been reported in the literature in individuals affected with GHR-related conditions. This variant is not present in population databases (gnomAD no frequency). This sequence change replaces cysteine, which is neutral and slightly polar, with serine, which is neutral and polar, at codon 390 of the GHR protein (p.Cys390Ser).